The following is an entry in ClinVar:

ClinVar aggregate classification (germline): Likely benign. Review status: criteria provided, multiple submitters, no conflicts (2 of 4 stars). 3 submissions from 3 submitters: Likely benign (2). 1 of the submissions does not count toward it. Last evaluated 2026-01-16.

Conditions:
COL9A3-related disorder. Also called: COL9A3-related condition.

Allele frequency attached by ClinVar (database versions not stated): gnomAD exomes 0.00002 and 0.00004; gnomAD 0.00015 and 0.00016; 1000 Genomes Project 30x 0.00016; ExAC 0.00019; 1000 Genomes Project 0.00020; TOPMed 0.00020; ESP Exome Variant Server 0.00024.
gnomAD v4.1: 54 of 1,557,968 alleles (0.0035%); highest among the groups gnomAD compares: African/African-American, 0.061%; no homozygotes.

Submissions (3):

Labcorp Genetics (formerly Invitae), Labcorp
Classification: Likely benign. Last evaluated: 2026-01-16. Review status: criteria provided, single submitter. Criteria: Invitae Variant Classification Sherloc (09022015). Collection method: clinical testing. Allele origin: germline.

Blueprint Genetics
Classification: Likely benign. Last evaluated: 2024-11-14. Review status: criteria provided, single submitter. Criteria: ACMG Guidelines, 2015. Collection method: clinical testing. Allele origin: germline.

PreventionGenetics, part of Exact Sciences
Classification: Likely benign for COL9A3-related condition. Last evaluated: 2020-04-28. Review status: no assertion criteria provided. Collection method: clinical testing. Allele origin: germline. Not counted in ClinVar's aggregate classification.
Comment: This variant is classified as likely benign based on ACMG/AMP sequence variant interpretation guidelines (Richards et al. 2015 PMID: 25741868, with internal and published modifications).

NM_001853.4(COL9A3):c.657C>T (p.Ala219=)

Gene: COL9A3 (collagen type IX alpha 3 chain; plus strand). Cytogenetic location: 20q13.33.
Variant type: single nucleotide variant.
Coding change: c.657C>T on transcript NM_001853.4 (MANE Select); coding-DNA position 657, C replaced by T.
Protein change: p.Ala219=; no amino-acid change (alanine 219 retained).
Molecular consequence: synonymous variant.
Genome position (GRCh38, 1-based): chr20:62,825,843, C>T. VCF-style: chr20-62825843-C-T. GRCh37 (hg19) VCF-style: chr20-61457195-C-T.
Other names: c.657C>T (NM_001853.3).
Identifiers: ClinVar variation 1595243 (VCV001595243.12), dbSNP rs144189627, ClinGen allele CA9949423.